The following is an entry in ClinVar:

NM_004364.5(CEBPA):c.305G>C (p.Gly102Ala)

Gene: CEBPA (CCAAT enhancer binding protein alpha; minus strand). Cytogenetic location: 19q13.11.
Variant type: single nucleotide variant.
Coding change: c.305G>C on transcript NM_004364.5 (MANE Select); coding-DNA position 305, G replaced by C.
Protein change: p.Gly102Ala; replaces glycine 102 with alanine.
Molecular consequence: missense variant. On other transcripts: 5 prime UTR variant (1).
Genome position (GRCh38, 1-based): chr19:33,302,110, C>G on the plus strand (G>C on the coding strand, the complement: CEBPA is on the minus strand). VCF-style: chr19-33302110-C-G. GRCh37 (hg19) VCF-style: chr19-33793016-C-G.
Other names: c.-53G>C (NM_001285829.2); c.410G>C, p.Gly137Ala (NM_001287424.2); c.263G>C, p.Gly88Ala (NM_001287435.2); short protein forms G88A, G137A, G102A.
Identifiers: ClinVar variation 937258 (VCV000937258.10), dbSNP rs1358539228, ClinGen allele CA405275229.

ClinVar aggregate classification (germline): Uncertain significance (1 of 4 stars; one submission).

Conditions:
Acute myeloid leukemia (AML). Also called: Acute myeloid leukemia, adult; AML adult; Acute non-lymphocytic leukemia; Acute granulocytic leukemia; Leukemia, acute myelogenous, somatic; Leukemia, acute myeloid, somatic. Identifiers: Orphanet 519, MedGen C0023467, MeSH D015470, MONDO:0018874, OMIM 601626, HP:0004808. Disease mechanism: Constitutively activated FLT3.

Submission:

Labcorp Genetics (formerly Invitae), Labcorp
Classification: Uncertain significance for Acute myeloid leukemia. Last evaluated: 2019-06-19. Review status: criteria provided, single submitter. Criteria: Invitae Variant Classification Sherloc (09022015). Collection method: clinical testing. Allele origin: germline.
Comment: This sequence change replaces glycine with alanine at codon 102 of the CEBPA protein (p.Gly102Ala). The glycine residue is weakly conserved and there is a small physicochemical difference between glycine and alanine. The frequency data for this variant in the population databases is considered unreliable, as metrics indicate insufficient coverage at this position in the ExAC database. This variant has not been reported in the literature in individuals with CEBPA-related conditions. Algorithms developed to predict the effect of missense changes on protein structure and function output the following: SIFT: "Tolerated"; PolyPhen-2: "Benign"; Align-GVGD: "Class C0". The alanine amino acid residue is found in multiple mammalian species, suggesting that this missense change does not adversely affect protein function. These predictions have not been confirmed by published functional studies and their clinical significance is uncertain. In summary, the available evidence is currently insufficient to determine the role of this variant in disease. Therefore, it has been classified as a Variant of Uncertain Significance.